The following is an entry in ClinVar:

ClinVar aggregate classification (germline): Uncertain significance. Review status: criteria provided, multiple submitters, no conflicts (2 of 4 stars). 2 submissions from 2 submitters: Uncertain significance (2). Last evaluated 2022-06-03.

Conditions:
Hereditary cancer-predisposing syndrome. Also called: Tumor predisposition; Hereditary Cancer Syndrome; Neoplastic Syndromes, Hereditary; Hereditary neoplastic syndrome. Identifiers: Orphanet 140162, MedGen C0027672, MeSH D009386, MONDO:0015356.

gnomAD v4.1: 7 of 1,613,702 alleles (0.00043%); highest among the groups gnomAD compares: Non-Finnish European, 0.00059%; no homozygotes.

Submissions (2):

Labcorp Genetics (formerly Invitae), Labcorp
Classification: Uncertain significance for Hereditary cancer-predisposing syndrome. Last evaluated: 2022-06-03. Review status: criteria provided, single submitter. Criteria: Invitae Variant Classification Sherloc (09022015). Collection method: clinical testing. Allele origin: germline.
Comment: In summary, the available evidence is currently insufficient to determine the role of this variant in disease. Therefore, it has been classified as a Variant of Uncertain Significance. Algorithms developed to predict the effect of missense changes on protein structure and function (SIFT, PolyPhen-2, Align-GVGD) all suggest that this variant is likely to be tolerated. ClinVar contains an entry for this variant (Variation ID: 822159). This variant has not been reported in the literature in individuals affected with RAD50-related conditions. This variant is not present in population databases (gnomAD no frequency). This sequence change replaces alanine, which is neutral and non-polar, with aspartic acid, which is acidic and polar, at codon 366 of the RAD50 protein (p.Ala366Asp).

Ambry Genetics
Classification: Uncertain significance for Hereditary cancer-predisposing syndrome. Last evaluated: 2018-05-15. Review status: criteria provided, single submitter. Criteria: Ambry Variant Classification Scheme 2023. Collection method: clinical testing. Allele origin: germline.
Comment: The p.A366D variant (also known as c.1097C>A), located in coding exon 8 of the RAD50 gene, results from a C to A substitution at nucleotide position 1097. The alanine at codon 366 is replaced by aspartic acid, an amino acid with dissimilar properties. This amino acid position is not well conserved in available vertebrate species. In addition, this alteration is predicted to be tolerated by in silico analysis. Since supporting evidence is limited at this time, the clinical significance of this alteration remains unclear.

NM_005732.4(RAD50):c.1097C>A (p.Ala366Asp)

Gene: RAD50 (RAD50 double strand break repair protein; plus strand). Cytogenetic location: 5q31.1.
Variant type: single nucleotide variant.
Coding change: c.1097C>A on transcript NM_005732.4 (MANE Select); coding-DNA position 1097, C replaced by A.
Protein change: p.Ala366Asp; replaces alanine 366 with aspartic acid.
Molecular consequence: missense variant.
Genome position (GRCh38, 1-based): chr5:132,588,732, C>A. VCF-style: chr5-132588732-C-A. GRCh37 (hg19) VCF-style: chr5-131924424-C-A.
Other names: short protein forms A366D.
Identifiers: ClinVar variation 822159 (VCV000822159.13), dbSNP rs1580992732, ClinGen allele CA360942305.